The following is an entry in ClinVar:

ClinVar aggregate classification (germline): Benign/Likely benign. Review status: criteria provided, multiple submitters, no conflicts (2 of 4 stars). 4 submissions from 4 submitters: Benign (2); Likely benign (1). 1 of the submissions does not count toward it. Last evaluated 2025-11-17.

Conditions:
MLPH-related disorder. Also called: MLPH-related condition.

Allele frequency attached by ClinVar (database versions not stated): ESP Exome Variant Server 0.00023; gnomAD exomes 0.00060 and 0.00263; gnomAD 0.00109 and 0.00110; 1000 Genomes Project 0.00180; ExAC 0.00185; TOPMed 0.00202; 1000 Genomes Project 30x 0.00203.
gnomAD v4.1: 1,034 of 1,613,654 alleles (0.064%); highest among the groups gnomAD compares: Admixed American, 1.6%; 13 homozygotes.

Submissions (4):

Labcorp Genetics (formerly Invitae), Labcorp
Classification: Benign. Last evaluated: 2025-11-17. Review status: criteria provided, single submitter. Criteria: Invitae Variant Classification Sherloc (09022015). Collection method: clinical testing. Allele origin: germline.

Blueprint Genetics
Classification: Likely benign. Last evaluated: 2024-11-14. Review status: criteria provided, single submitter. Criteria: ACMG Guidelines, 2015. Collection method: clinical testing. Allele origin: germline.

Breakthrough Genomics
Classification: Benign. Review status: criteria provided, single submitter. Criteria: ACMG Guidelines, 2015. Collection method: not provided. Allele origin: germline. Inheritance: Autosomal recessive inheritance. Affected: yes.

PreventionGenetics, part of Exact Sciences
Classification: Benign for MLPH-related condition. Last evaluated: 2024-01-19. Review status: no assertion criteria provided. Collection method: clinical testing. Allele origin: germline. Not counted in ClinVar's aggregate classification.
Comment: This variant is classified as benign based on ACMG/AMP sequence variant interpretation guidelines (Richards et al. 2015 PMID: 25741868, with internal and published modifications).

NM_024101.7(MLPH):c.1773C>T (p.Phe591=)

Gene: MLPH (melanophilin; plus strand). Cytogenetic location: 2q37.3.
Variant type: single nucleotide variant.
Coding change: c.1773C>T on transcript NM_024101.7 (MANE Select); coding-DNA position 1773, C replaced by T.
Protein change: p.Phe591=; no amino-acid change (phenylalanine 591 retained).
Molecular consequence: synonymous variant. On other transcripts: non-coding transcript variant (1).
Genome position (GRCh38, 1-based): chr2:237,552,434, C>T. VCF-style: chr2-237552434-C-T. GRCh37 (hg19) VCF-style: chr2-238461077-C-T.
Other names: c.1689C>T, p.Phe563= (NM_001042467.3); c.1413C>T, p.Phe471= (NM_001281473.2); c.1344C>T, p.Phe448= (NM_001281474.2).
Identifiers: ClinVar variation 770135 (VCV000770135.14), dbSNP rs139682271, ClinGen allele CA2190801.